The following is an entry in ClinVar:

NM_000551.4(VHL):c.304C>T (p.Pro102Ser)

Gene: VHL (von Hippel-Lindau tumor suppressor; plus strand). Cytogenetic location: 3p25.3.
Variant type: single nucleotide variant.
Coding change: c.304C>T on transcript NM_000551.4 (MANE Select); coding-DNA position 304, C replaced by T.
Protein change: p.Pro102Ser; replaces proline 102 with serine.
Molecular consequence: missense variant.
Genome position (GRCh38, 1-based): chr3:10,142,151, C>T. VCF-style: chr3-10142151-C-T. GRCh37 (hg19) VCF-style: chr3-10183835-C-T.
Other names: c.304C>T, p.Pro102Ser (NM_001354723.2, NM_198156.3); short protein forms P102S.
Identifiers: ClinVar variation 857493 (VCV000857493.10), dbSNP rs532018719, ClinGen allele CA040238.
Genomic context (GRCh38, chr3:10,142,151, plus strand): 5'-CGCGTCGTGCTGCCCGTATGGCTCAACTTCGACGGCGAGCCGCAGCCCTACCCAACGCTG[C>T]CGCCTGGCACGGGCCGCCGCATCCACAGCTACCGAGGTACGGGCCCGGCGCTTAGGCCCG-3'
Protein context (NP_000542.1, residues 92-112): DGEPQPYPTL[Pro102Ser]PGTGRRIHSY

ClinVar aggregate classification (germline): Conflicting classifications of pathogenicity. Review status: criteria provided, conflicting classifications (1 of 4 stars). 3 submissions from 3 submitters: Uncertain significance (2); Likely benign (1). Last evaluated 2025-07-31.

Conditions:
Hereditary cancer-predisposing syndrome. Also called: Hereditary neoplastic syndrome; Tumor predisposition; Neoplastic Syndromes, Hereditary; Hereditary Cancer Syndrome. Identifiers: Orphanet 140162, MedGen C0027672, MeSH D009386, MONDO:0015356.
Chuvash polycythemia. Also called: POLYCYTHEMIA, VHL-DEPENDENT. Identifiers: Orphanet 238557, MedGen C1837915, MONDO:0009892, OMIM 263400.
Von Hippel-Lindau syndrome (VHLS). Also called: VHL syndrome; von Hippel–Lindau syndrome; Von Hippel-Lindau. Identifiers: Orphanet 892, MedGen C0019562, MONDO:0008667, OMIM 193300. Disease mechanism: loss of function.

Allele frequency attached by ClinVar (database versions not stated): gnomAD exomes below 0.00001; ExAC 0.00001; gnomAD 0.00001; TOPMed 0.00002; 1000 Genomes Project 0.00020; 1000 Genomes Project 30x 0.00031.

Submissions (3):

Labcorp Genetics (formerly Invitae), Labcorp
Classification: Uncertain significance for Von Hippel-Lindau syndrome; Chuvash polycythemia. Last evaluated: 2025-07-31. Review status: criteria provided, single submitter. Criteria: Invitae Variant Classification Sherloc (09022015). Collection method: clinical testing. Allele origin: germline.
Comment: This sequence change replaces proline, which is neutral and non-polar, with serine, which is neutral and polar, at codon 102 of the VHL protein (p.Pro102Ser). The frequency data for this variant in the population databases is considered unreliable, as metrics indicate poor data quality at this position in the gnomAD database. This variant has not been reported in the literature in individuals affected with VHL-related conditions. ClinVar contains an entry for this variant (Variation ID: 857493). Invitae Evidence Modeling of protein sequence and biophysical properties (such as structural, functional, and spatial information, amino acid conservation, physicochemical variation, residue mobility, and thermodynamic stability) indicates that this missense variant is expected to disrupt VHL protein function with a positive predictive value of 80%. In summary, the available evidence is currently insufficient to determine the role of this variant in disease. Therefore, it has been classified as a Variant of Uncertain Significance.

Ambry Genetics
Classification: Likely benign for Hereditary cancer-predisposing syndrome. Last evaluated: 2025-01-21. Review status: criteria provided, single submitter. Criteria: Ambry Variant Classification Scheme 2023. Collection method: clinical testing. Allele origin: germline.

Quest Diagnostics Nichols Institute San Juan Capistrano
Classification: Uncertain significance. Last evaluated: 2024-09-17. Review status: criteria provided, single submitter. Criteria: Quest Diagnostics criteria. Collection method: clinical testing. Allele origin: unknown.
Comment: The VHL c.304C>T (p.Pro102Ser) variant has not been reported in individuals with VHL-related conditions in the published literature. The frequency of this variant in the general population, 0.0000045 (1/221474 chromosomes (Genome Aggregation Database)), is uninformative in the assessment of its pathogenicity. Analysis of this variant using bioinformatics tools for the prediction of the effect of amino acid changes on protein structure and function yielded predictions that this variant is benign. Based on the available information, we are unable to determine the clinical significance of this variant.